The following is an entry in ClinVar:

ClinVar aggregate classification (germline): Benign/Likely benign. Review status: criteria provided, multiple submitters, no conflicts (2 of 4 stars). 2 submissions from 2 submitters: Benign (1); Likely benign (1). Last evaluated 2026-01-28.

Conditions:
PAX1-related disorder. Also called: PAX1-related condition.

Allele frequency attached by ClinVar (database versions not stated): 1000 Genomes Project 30x 0.00031; 1000 Genomes Project 0.00040; ExAC 0.00054.
gnomAD v4.1: 347 of 1,612,954 alleles (0.022%); highest among the groups gnomAD compares: South Asian, 0.36%; 3 homozygotes.

Submissions (2):

PreventionGenetics, part of Exact Sciences
Classification: Likely benign for PAX1-related condition. Last evaluated: 2026-01-28. Review status: criteria provided, single submitter. Criteria: ACMG Guidelines, 2015. Collection method: clinical testing. Allele origin: germline.
Comment: This variant is classified as likely benign based on ACMG/AMP sequence variant interpretation guidelines (Richards et al. 2015 PMID: 25741868, with internal and published modifications).

Labcorp Genetics (formerly Invitae), Labcorp
Classification: Benign. Last evaluated: 2026-01-15. Review status: criteria provided, single submitter. Criteria: Invitae Variant Classification Sherloc (09022015). Collection method: clinical testing. Allele origin: germline.

NM_001257096.2(PAX1):c.1059+12G>A

Gene: PAX1 (paired box 1; plus strand). Cytogenetic location: 20p11.22.
Variant type: single nucleotide variant.
Coding change: c.1059+12G>A on transcript NM_001257096.2 (MANE Select); 12 bases into the intron after coding-DNA position 1059, G replaced by A.
Molecular consequence: intron variant.
Genome position (GRCh38, 1-based): chr20:21,708,712, G>A. VCF-style: chr20-21708712-G-A. GRCh37 (hg19) VCF-style: chr20-21689350-G-A.
Other names: c.1059+12G>A (NM_006192.5, NM_006192.4).
Identifiers: ClinVar variation 2138339 (VCV002138339.5), dbSNP rs371496308, ClinGen allele CA9786654.